The following is an entry in ClinVar:

NM_000540.3(RYR1):c.574G>A (p.Ala192Thr)

Gene: RYR1 (ryanodine receptor 1; plus strand). Cytogenetic location: 19q13.2.
Variant type: single nucleotide variant.
Coding change: c.574G>A on transcript NM_000540.3 (MANE Select); coding-DNA position 574, G replaced by A.
Protein change: p.Ala192Thr; replaces alanine 192 with threonine.
Molecular consequence: missense variant.
Genome position (GRCh38, 1-based): chr19:38,444,620, G>A. VCF-style: chr19-38444620-G-A. GRCh37 (hg19) VCF-style: chr19-38935260-G-A.
Other names: c.574G>A, p.Ala192Thr (NM_001042723.2); short protein forms A192T.
Identifiers: ClinVar variation 4758489 (VCV004758489.1).

ClinVar aggregate classification (germline): Uncertain significance (1 of 4 stars; one submission).

Conditions:
Malignant hyperthermia, susceptibility to, 1 (MHS1). Also called: RYR1-Related Malignant Hyperthermia Susceptibility; Malignant hyperthermia suceptibility 1; Anesthesia related hyperthermia; Malignant hyperpyrexia; Fulminating hyperpyrexia; Pharmacogenic myopathy. Identifiers: Orphanet 423, MedGen C2930980, MONDO:0007783, OMIM 145600.

gnomAD v4.1: 3 of 1,613,992 alleles (0.00019%); highest among the groups gnomAD compares: South Asian, 0.0011%; no homozygotes.

Submission:

Color Diagnostics, LLC DBA Color Health
Classification: Uncertain significance for Malignant hyperthermia, susceptibility to, 1. Last evaluated: 2025-06-02. Review status: criteria provided, single submitter. Criteria: ACMG Guidelines, 2015. Collection method: clinical testing. Allele origin: germline.
Comment: This missense variant replaces alanine with threonine at codon 192 of the RYR1 protein. Computational prediction suggests that this variant may have deleterious impact on protein structure and function. To our knowledge, functional studies have not been reported for this variant. This variant has not been reported in individuals affected with RYR1-related disorders in the literature. This variant has not been identified in the general population by the Genome Aggregation Database (gnomAD). The available evidence is insufficient to determine the role of this variant in disease conclusively. Therefore, this variant is classified as a Variant of Uncertain Significance.